The following is an entry in ClinVar:

ClinVar aggregate classification (germline): Pathogenic (1 of 4 stars; one submission).

Submission:

Labcorp Genetics (formerly Invitae), Labcorp
Classification: Pathogenic. Last evaluated: 2023-10-17. Review status: criteria provided, single submitter. Criteria: Invitae Variant Classification Sherloc (09022015). Collection method: clinical testing. Allele origin: germline.
Comment: This sequence change creates a premature translational stop signal (p.Tyr937*) in the POLE gene. It is expected to result in an absent or disrupted protein product. Loss-of-function variants in POLE are known to be pathogenic (PMID: 23230001, 25948378, 30503519). This variant is not present in population databases (gnomAD no frequency). This variant has not been reported in the literature in individuals affected with POLE-related conditions. ClinVar contains an entry for this variant (Variation ID: 658620). For these reasons, this variant has been classified as Pathogenic.

Literature cited by the submitters: PubMed 23230001; PubMed 25948378; PubMed 30503519.

NM_006231.4(POLE):c.2811C>A (p.Tyr937Ter)

Gene: POLE (DNA polymerase epsilon, catalytic subunit; minus strand). Cytogenetic location: 12q24.33.
Variant type: single nucleotide variant.
Coding change: c.2811C>A on transcript NM_006231.4 (MANE Select); coding-DNA position 2811, C replaced by A.
Protein change: p.Tyr937Ter; replaces tyrosine 937 with a stop codon.
Molecular consequence: nonsense.
Genome position (GRCh38, 1-based): chr12:132,661,580, G>T on the plus strand (C>A on the coding strand, the complement: POLE is on the minus strand). VCF-style: chr12-132661580-G-T. GRCh37 (hg19) VCF-style: chr12-133238166-G-T.
Other names: short protein forms Y937*.
Identifiers: ClinVar variation 658620 (VCV000658620.8), dbSNP rs1593777350, ClinGen allele CA387393712.